The following is an entry in ClinVar:

NM_000059.4(BRCA2):c.3083A>G (p.Lys1028Arg)

Gene: BRCA2 (BRCA2 DNA repair associated; plus strand). Cytogenetic location: 13q13.1.
Variant type: single nucleotide variant.
Coding change: c.3083A>G on transcript NM_000059.4 (MANE Select); coding-DNA position 3083, A replaced by G.
Protein change: p.Lys1028Arg; replaces lysine 1028 with arginine.
Molecular consequence: missense variant.
Genome position (GRCh38, 1-based): chr13:32,337,438, A>G. VCF-style: chr13-32337438-A-G. GRCh37 (hg19) VCF-style: chr13-32911575-A-G.
Other names: p.K1028R:AAA>AGA; short protein forms K1028R.
Identifiers: ClinVar variation 182194 (VCV000182194.4), dbSNP rs730881519, ClinGen allele CA017201.
Genomic context (GRCh38, chr13:32,337,438, plus strand): 5'-GCTTCAGAACAGCTTCAAATAAGGAAATCAAGCTCTCTGAACATAACATTAAGAAGAGCA[A>G]AATGTTCTTCAAAGATATTGAAGAACAATATCCTACTAGTTTAGCTTGTGTTGAAATTGT-3'
Protein context (NP_000050.3, residues 1018-1038): KLSEHNIKKS[Lys1028Arg]MFFKDIEEQY

ClinVar aggregate classification (germline): Conflicting classifications of pathogenicity. Review status: criteria provided, conflicting classifications (1 of 4 stars). 2 submissions from 2 submitters: Uncertain significance (1); Likely benign (1). Last evaluated 2023-03-23.

Conditions:
Hereditary cancer-predisposing syndrome. Also called: Tumor predisposition; Hereditary Cancer Syndrome; Hereditary neoplastic syndrome; Neoplastic Syndromes, Hereditary. Identifiers: Orphanet 140162, MedGen C0027672, MeSH D009386, MONDO:0015356.

Submissions (2):

University of Washington Department of Laboratory Medicine, University of Washington
Classification: Likely benign for Hereditary cancer-predisposing syndrome. Last evaluated: 2023-03-23. Review status: criteria provided, single submitter. Criteria: Dines et al. (Genet Med. 2020). Collection method: curation. Allele origin: germline.
Comment: Missense variant in a coldspot region where missense variants are very unlikely to be pathogenic (PMID:31911673).

BRCA2 exon 11 coldspot. Reclassification based on statistical prior probability.

GeneDx
Classification: Uncertain significance. Last evaluated: 2014-08-04. Review status: criteria provided, single submitter. Criteria: GeneDx Variant Classification (06012015). Collection method: clinical testing. Allele origin: germline. Affected: yes.
Comment: This variant is denoted BRCA2 c.3083A>G at the cDNA level, p.Lys1028Arg (K1028R) at the protein level, and results in the change of a Lysine to an Arginine (AAA>AGA). This variant has not, to our knowledge, been published in the literature as pathogenic or benign. BRCA2 Lys1028Arg was not observed in approximately 6,500 individuals of European and African American ancestry in the NHLBI Exome Sequencing Project, indicating it is not a common benign variant in these populations. Since Lysine and Arginine share similar properties, this is considered a conservative amino acid substitution. BRCA2 Lys1028Arg occurs at a position that is highly conserved across species and is located in BRC 1st repeat domain (UniProt). In silico analyses predict that this variant is probably damaging to protein structure and function. Based on currently available information, it is unclear whether BRCA2 Lys1028Arg is pathogenic or benign. We consider it to be a variant of uncertain significance.